The following is an entry in ClinVar:

NM_001005373.4(LRSAM1):c.1830+6C>T

Gene: LRSAM1 (leucine rich repeat and sterile alpha motif containing 1; plus strand). Cytogenetic location: 9q33.3.
Variant type: single nucleotide variant.
Coding change: c.1830+6C>T on transcript NM_001005373.4 (MANE Select); 6 bases into the intron after coding-DNA position 1830, C replaced by T.
Molecular consequence: intron variant.
Genome position (GRCh38, 1-based): chr9:127,496,101, C>T. VCF-style: chr9-127496101-C-T. GRCh37 (hg19) VCF-style: chr9-130258380-C-T.
Other names: p.?; c.1830+6C>T (NM_138361.5, NM_001384142.1, NM_001005374.4); c.1731+6C>T (NM_001384143.1); c.1749+6C>T (NM_001190723.3); c.1041+6C>T (NM_001384144.1).
Identifiers: ClinVar variation 241837 (VCV000241837.32), dbSNP rs75171318, ClinGen allele CA5247136.

ClinVar aggregate classification (germline): Benign. Review status: criteria provided, multiple submitters, no conflicts (2 of 4 stars). 9 submissions from 9 submitters: Benign (7). 2 of the submissions do not count toward it. Last evaluated 2026-02-03.

Conditions:
Charcot-Marie-Tooth disease. Also called: Charcot-Marie-Tooth Neuropathy; Charcot-Marie-Tooth Hereditary Neuropathy. Identifiers: Orphanet 166, MedGen C0007959, MONDO:0015626.
Charcot-Marie-Tooth disease axonal type 2P. Also called: CHARCOT-MARIE-TOOTH DISEASE, AXONAL, TYPE 2G; CMT 2G; Charcot-Marie-Tooth Neuropathy Type 2G; CHARCOT-MARIE-TOOTH NEUROPATHY, TYPE 2P. Identifiers: Orphanet 300319, Orphanet 99941, MedGen C3280797, MONDO:0013753, OMIM 614436.

Allele frequency attached by ClinVar (database versions not stated): 1000 Genomes Project 0.00919; 1000 Genomes Project 30x 0.00999; ExAC 0.01749; TOPMed 0.01769; gnomAD exomes 0.01775 and 0.02667; gnomAD 0.01800 and 0.01846; ESP Exome Variant Server 0.02130.
gnomAD v4.1: 41,755 of 1,607,800 alleles (2.6%); highest among the groups gnomAD compares: Non-Finnish European, 3.1%; 681 homozygotes.

Submissions (9):

Labcorp Genetics (formerly Invitae), Labcorp
Classification: Benign for Charcot-Marie-Tooth disease axonal type 2P. Last evaluated: 2026-02-03. Review status: criteria provided, single submitter. Criteria: Invitae Variant Classification Sherloc (09022015). Collection method: clinical testing. Allele origin: germline.

ARUP Laboratories, Molecular Genetics and Genomics, ARUP Laboratories
Classification: Benign for Charcot-Marie-Tooth disease axonal type 2P. Last evaluated: 2025-07-28. Review status: criteria provided, single submitter. Criteria: ARUP Molecular Germline Variant Investigation Process 2024. Collection method: clinical testing. Allele origin: germline.

Illumina Laboratory Services, Illumina
Classification: Benign for Charcot-Marie-Tooth disease axonal type 2P. Last evaluated: 2018-01-13. Review status: criteria provided, single submitter. Criteria: ICSL Variant Classification Criteria 13 December 2019. Collection method: clinical testing. Allele origin: germline.
Comment: This variant was observed in the ICSL laboratory as part of a predisposition screen in an ostensibly healthy population. It had not been previously curated by ICSL or reported in the Human Gene Mutation Database (HGMD: prior to June 1st, 2018), and was therefore a candidate for classification through an automated scoring system. Utilizing variant allele frequency, disease prevalence and penetrance estimates, and inheritance mode, an automated score was calculated to assess if this variant is too frequent to cause the disease. Based on the score and internal cut-off values, a variant classified as benign is not then subjected to further curation. The score for this variant resulted in a classification of benign for this disease.

Mayo Clinic Laboratories, Mayo Clinic
Classification: Benign. Last evaluated: 2016-04-20. Review status: criteria provided, single submitter. Criteria: ACMG Guidelines, 2015. Collection method: clinical testing. Allele origin: germline. Observed: 97 variant alleles.

GeneDx
Classification: Benign. Last evaluated: 2015-03-03. Review status: criteria provided, single submitter. Criteria: GeneDx Variant Classification Process June 2021. Collection method: clinical testing. Allele origin: germline. Affected: yes.

Breakthrough Genomics
Classification: Benign. Review status: criteria provided, single submitter. Criteria: ACMG Guidelines, 2015. Collection method: not provided. Allele origin: germline. Inheritance: Autosomal dominant inheritance. Affected: yes.

Molecular Genetics Laboratory, London Health Sciences Centre
Classification: Benign for Charcot-Marie-Tooth disease. Review status: criteria provided, single submitter. Criteria: ACMG Guidelines, 2015. Collection method: clinical testing. Allele origin: germline. Affected: yes.

Clinical Genetics, Academic Medical Center
Classification: Benign. Review status: no assertion criteria provided. Collection method: clinical testing. Allele origin: germline. Affected: yes. Study: VKGL Data-share Consensus. Not counted in ClinVar's aggregate classification.

Genome Diagnostics Laboratory, University Medical Center Utrecht
Classification: Benign. Review status: no assertion criteria provided. Collection method: clinical testing. Allele origin: germline. Affected: yes. Study: VKGL Data-share Consensus. Not counted in ClinVar's aggregate classification.